The following is an entry in ClinVar:

NM_032776.3(JMJD1C):c.7273C>G (p.Arg2425Gly)

Gene: JMJD1C (jumonji domain containing 1C; minus strand). Cytogenetic location: 10q21.3.
Variant type: single nucleotide variant.
Coding change: c.7273C>G on transcript NM_032776.3 (MANE Select); coding-DNA position 7273, C replaced by G.
Protein change: p.Arg2425Gly; replaces arginine 2425 with glycine.
Molecular consequence: missense variant. On other transcripts: non-coding transcript variant (1).
Genome position (GRCh38, 1-based): chr10:63,176,425, G>C on the plus strand (C>G on the coding strand, the complement: JMJD1C is on the minus strand). VCF-style: chr10-63176425-G-C. GRCh37 (hg19) VCF-style: chr10-64936185-G-C.
Other names: c.6727C>G, p.Arg2243Gly (NM_001282948.2, NM_001318154.2); c.6409C>G, p.Arg2137Gly (NM_001318153.2); c.7159C>G, p.Arg2387Gly (NM_001322252.2); c.6616C>G, p.Arg2206Gly (NM_001322254.2, NM_001322258.2); short protein forms R2425G, R2137G, R2206G, R2243G, R2387G.
Identifiers: ClinVar variation 662693 (VCV000662693.8), dbSNP rs760630871, ClinGen allele CA377019571.

ClinVar aggregate classification (germline): Uncertain significance (1 of 4 stars; one submission).

Conditions:
Early Myoclonic Encephalopathy. Identifiers: MedGen C0270855.

Allele frequency attached by ClinVar (database versions not stated): TOPMed 0.00001; gnomAD 0.00001.
gnomAD v4.1: 3 of 1,613,720 alleles (0.00019%); highest among the groups gnomAD compares: African/African-American, 0.0013%; no homozygotes.

Submission:

Labcorp Genetics (formerly Invitae), Labcorp
Classification: Uncertain significance for Early Myoclonic Encephalopathy. Last evaluated: 2025-10-23. Review status: criteria provided, single submitter. Criteria: Invitae Variant Classification Sherloc (09022015). Collection method: clinical testing. Allele origin: germline.
Comment: This sequence change replaces arginine, which is basic and polar, with glycine, which is neutral and non-polar, at codon 2425 of the JMJD1C protein (p.Arg2425Gly). This variant is not present in population databases (gnomAD no frequency). This variant has not been reported in the literature in individuals affected with JMJD1C-related conditions. ClinVar contains an entry for this variant (Variation ID: 662693). Invitae Evidence Modeling of protein sequence and biophysical properties (such as structural, functional, and spatial information, amino acid conservation, physicochemical variation, residue mobility, and thermodynamic stability) indicates that this missense variant is expected to disrupt JMJD1C protein function with a positive predictive value of 80%. In summary, the available evidence is currently insufficient to determine the role of this variant in disease. Therefore, it has been classified as a Variant of Uncertain Significance.